The following is an entry in ClinVar:

NM_005591.4(MRE11):c.391G>T (p.Asp131Tyr)

Gene: MRE11 (MRE11 double strand break repair nuclease; minus strand). Cytogenetic location: 11q21.
Variant type: single nucleotide variant.
Coding change: c.391G>T on transcript NM_005591.4 (MANE Select); coding-DNA position 391, G replaced by T.
Protein change: p.Asp131Tyr; replaces aspartic acid 131 with tyrosine.
Molecular consequence: missense variant.
Genome position (GRCh38, 1-based): chr11:94,479,685, C>A on the plus strand (G>T on the coding strand, the complement: MRE11 is on the minus strand). VCF-style: chr11-94479685-C-A. GRCh37 (hg19) VCF-style: chr11-94212851-C-A.
Other names: c.391G>T, p.Asp131Tyr (NM_001330347.2, NM_005590.4); short protein forms D131Y.
Identifiers: ClinVar variation 534768 (VCV000534768.13), dbSNP rs368403414, ClinGen allele CA382378276.

ClinVar aggregate classification (germline): Uncertain significance. Review status: criteria provided, multiple submitters, no conflicts (2 of 4 stars). 3 submissions from 3 submitters: Uncertain significance (3). Last evaluated 2022-01-26.

Conditions:
Ataxia-telangiectasia-like disorder (ATLD). Identifiers: MedGen C1858391, MONDO:0011457.
Hereditary cancer-predisposing syndrome. Also called: Neoplastic Syndromes, Hereditary; Tumor predisposition; Hereditary Cancer Syndrome; Hereditary neoplastic syndrome. Identifiers: Orphanet 140162, MedGen C0027672, MeSH D009386, MONDO:0015356.

Submissions (3):

Ambry Genetics
Classification: Uncertain significance for Hereditary cancer-predisposing syndrome. Last evaluated: 2022-01-26. Review status: criteria provided, single submitter. Criteria: Ambry Variant Classification Scheme 2023. Collection method: clinical testing. Allele origin: germline.
Comment: The p.D131Y variant (also known as c.391G>T), located in coding exon 4 of the MRE11A gene, results from a G to T substitution at nucleotide position 391. The aspartic acid at codon 131 is replaced by tyrosine, an amino acid with highly dissimilar properties. This amino acid position is conserved. In addition, this alteration is predicted to be deleterious by in silico analysis. Since supporting evidence is limited at this time, the clinical significance of this alteration remains unclear.

Athena Diagnostics
Classification: Uncertain significance. Last evaluated: 2019-03-21. Review status: criteria provided, single submitter. Criteria: Athena Diagnostics Criteria. Collection method: clinical testing. Allele origin: germline.

Labcorp Genetics (formerly Invitae), Labcorp
Classification: Uncertain significance for Ataxia-telangiectasia-like disorder. Last evaluated: 2017-12-22. Review status: criteria provided, single submitter. Criteria: Invitae Variant Classification Sherloc (09022015). Collection method: clinical testing. Allele origin: germline.
Comment: This variant is not present in population databases (ExAC no frequency). This variant has not been reported in the literature in individuals with MRE11-related disease. Algorithms developed to predict the effect of missense changes on protein structure and function (SIFT, PolyPhen-2, Align-GVGD) all suggest that this variant is likely to be disruptive, but these predictions have not been confirmed by published functional studies and their clinical significance is uncertain. In summary, the available evidence is currently insufficient to determine the role of this variant in disease. Therefore, it has been classified as a Variant of Uncertain Significance. This sequence change replaces aspartic acid with tyrosine at codon 131 of the MRE11 protein (p.Asp131Tyr). The aspartic acid residue is highly conserved and there is a large physicochemical difference between aspartic acid and tyrosine.